The following is an entry in ClinVar:

ClinVar aggregate classification (germline): Conflicting classifications of pathogenicity. Review status: criteria provided, conflicting classifications (1 of 4 stars). 7 submissions from 7 submitters: Uncertain significance (2); Likely benign (4). 1 of the submissions does not count toward it. Last evaluated 2026-06-01.

Conditions:
Developmental and epileptic encephalopathy, 42 (DEE42A). Also called: DEVELOPMENTAL AND EPILEPTIC ENCEPHALOPATHY 42A; EPILEPTIC ENCEPHALOPATHY, EARLY INFANTILE, 42A; Epileptic encephalopathy, early infantile, 42. Identifiers: MedGen C4310716, MONDO:0014917, OMIM 617106.
Episodic ataxia type 2 (EA2). Also called: ATAXIA, EPISODIC, WITH NYSTAGMUS; ATAXIA, FAMILIAL PAROXYSMAL; CEREBELLAR ATAXIA, PAROXYSMAL, ACETAZOLAMIDE-RESPONSIVE; CEREBELLOPATHY, HEREDITARY PAROXYSMAL; ACETAZOLAMIDE-RESPONSIVE HEREDITARY PAROXYSMAL CEREBELLAR ATAXIA; EPISODIC ATAXIA, NYSTAGMUS-ASSOCIATED. Identifiers: Orphanet 97, MedGen C1720416, MONDO:0007163, OMIM 108500.
CACNA1A-related disorder. Also called: CACNA1A-related condition.

Submissions (7):

CeGaT Center for Human Genetics Tuebingen
Classification: Likely benign. Last evaluated: 2026-06-01. Review status: criteria provided, single submitter. Criteria: CeGaT Center For Human Genetics Tuebingen Variant Classification Criteria Version 2. Collection method: clinical testing. Allele origin: germline. Affected: yes. Observed: 7 variant alleles.
Comment: CACNA1A: BP3, BS2

Blueprint Genetics
Classification: Likely benign. Last evaluated: 2024-10-24. Review status: criteria provided, single submitter. Criteria: ACMG Guidelines, 2015. Collection method: clinical testing. Allele origin: germline.

Clinical Genetics Laboratory, Skane University Hospital Lund
Classification: Uncertain significance. Last evaluated: 2023-09-28. Review status: criteria provided, single submitter. Criteria: ACMG Guidelines, 2015. Collection method: clinical testing. Allele origin: germline. Affected: yes.

GeneDx
Classification: Likely benign. Last evaluated: 2021-05-07. Review status: criteria provided, single submitter. Criteria: GeneDx Variant Classification Process June 2021. Collection method: clinical testing. Allele origin: germline. Affected: yes.

Genetic Services Laboratory, University of Chicago
Classification: Likely benign. Last evaluated: 2019-12-11. Review status: criteria provided, single submitter. Criteria: ACMG Guidelines, 2015. Collection method: clinical testing. Allele origin: germline. Affected: no.

Labcorp Genetics (formerly Invitae), Labcorp
Classification: Uncertain significance for Developmental and epileptic encephalopathy, 42; Episodic ataxia type 2. Last evaluated: 2017-09-11. Review status: criteria provided, single submitter. Criteria: Invitae Variant Classification Sherloc (09022015). Collection method: clinical testing. Allele origin: germline.
Comment: While this variant is present in population databases (rs770368215), the frequency information is unreliable, as metrics indicate poor data quality at this position in the ExAC database. This variant, c.6650_6661delACCACCACCATC, results in the deletion of 4 amino acid(s) of the CACNA1A protein (p.His2217_His2220del), but otherwise preserves the integrity of the reading frame. In summary, this variant has uncertain impact on CACNA1A function. The available evidence is currently insufficient to determine its role in disease. Therefore, it has been classified as a Variant of Uncertain Significance. Experimental studies and prediction algorithms are not available for this variant, and the functional significance of the deleted amino acids is currently unknown. This variant has not been reported in the literature in individuals with a CACNA1A-related disease. ClinVar contains an entry for this variant (Variation ID: 421166).

PreventionGenetics, part of Exact Sciences
Classification: Likely benign for CACNA1A-related condition. Last evaluated: 2024-03-08. Review status: no assertion criteria provided. Collection method: clinical testing. Allele origin: germline. Not counted in ClinVar's aggregate classification.
Comment: This variant is classified as likely benign based on ACMG/AMP sequence variant interpretation guidelines (Richards et al. 2015 PMID: 25741868, with internal and published modifications).

NM_001127222.2(CACNA1A):c.6647_6658del (p.His2216_His2219del)

Gene: CACNA1A (calcium voltage-gated channel subunit alpha1 A; minus strand). Cytogenetic location: 19p13.13.
Variant type: Deletion.
Coding change: c.6647_6658del on transcript NM_001127222.2 (MANE Select); coding-DNA positions 6647 to 6658, 12 bases deleted (ACCACCACCATC).
Protein change: p.His2216_His2219del.
Molecular consequence: inframe deletion.
Genome position (GRCh38, 1-based): chr19:13,208,878-13,208,889, GATGGTGGTGGT deleted on the plus strand (ACCACCACCATC on the coding strand, the reverse complement: CACNA1A is on the minus strand); deleting any 12 consecutive bases within chr19:13,208,878-13,208,890 gives the same sequence; the c. name uses the placement nearest the transcript's 3' end. VCF-style (leftmost placement, unchanged base first): chr19-13208877-GGATGGTGGTGGT-G. GRCh37 (hg19) VCF-style: chr19-13319691-GGATGGTGGTGGT-G.
Other names: c.6665_6676del, p.His2222_His2225del (NM_000068.4, NM_023035.3); c.6650_6661del, p.His2217_His2220del (NM_001127221.2); c.6656_6667del, p.His2219_His2222del (NM_001174080.2); c.6647_6658del12 (NM_001127222.1); c.6650_6661delACCACCACCATC (NM_001127221.1).
Identifiers: ClinVar variation 421166 (VCV000421166.53), dbSNP rs770368215, ClinGen allele CA9239302.